The following is an entry in ClinVar:

ClinVar aggregate classification (germline): Likely benign (1 of 4 stars; one submission).

Allele frequency attached by ClinVar (database versions not stated): TOPMed below 0.00001; gnomAD 0.00003; ExAC 0.00007.
gnomAD v4.1: 42 of 1,614,136 alleles (0.0026%); highest among the groups gnomAD compares: South Asian, 0.038%; no homozygotes.

Submission:

CeGaT Center for Human Genetics Tuebingen
Classification: Likely benign. Last evaluated: 2024-01-01. Review status: criteria provided, single submitter. Criteria: CeGaT Center For Human Genetics Tuebingen Variant Classification Criteria Version 2. Collection method: clinical testing. Allele origin: germline. Affected: yes. Observed: 1 variant allele.
Comment: SYNE2: BP4, BS2

NM_182914.3(SYNE2):c.16798T>C (p.Tyr5600His)

Gene: SYNE2 (spectrin repeat containing nuclear envelope protein 2; plus strand). Cytogenetic location: 14q23.2.
Variant type: single nucleotide variant.
Coding change: c.16798T>C on transcript NM_182914.3 (MANE Select); coding-DNA position 16798, T replaced by C.
Protein change: p.Tyr5600His; replaces tyrosine 5600 with histidine.
Molecular consequence: missense variant.
Genome position (GRCh38, 1-based): chr14:64,167,532, T>C. VCF-style: chr14-64167532-T-C. GRCh37 (hg19) VCF-style: chr14-64634250-T-C.
Other names: c.16798T>C, p.Tyr5600His (NM_015180.6); short protein forms Y5600H.
Identifiers: ClinVar variation 3026757 (VCV003026757.22), dbSNP rs775421588, ClinGen allele CA7223506.